The following is an entry in ClinVar:

NM_014712.3(SETD1A):c.2124T>G (p.Gly708=)

Gene: SETD1A (SET domain containing 1A, histone lysine methyltransferase; plus strand). Cytogenetic location: 16p11.2.
Variant type: single nucleotide variant.
Coding change: c.2124T>G on transcript NM_014712.3 (MANE Select); coding-DNA position 2124, T replaced by G.
Protein change: p.Gly708=; no amino-acid change (glycine 708 retained).
Molecular consequence: synonymous variant.
Genome position (GRCh38, 1-based): chr16:30,966,005, T>G. VCF-style: chr16-30966005-T-G. GRCh37 (hg19) VCF-style: chr16-30977326-T-G.
Identifiers: ClinVar variation 2646435 (VCV002646435.24), dbSNP rs2543861784, ClinGen allele CA494918402.

ClinVar aggregate classification (germline): Likely benign (1 of 4 stars; one submission).

Allele frequency attached by ClinVar (database versions not stated): gnomAD exomes below 0.00001.

Submission:

CeGaT Center for Human Genetics Tuebingen
Classification: Likely benign. Last evaluated: 2026-05-01. Review status: criteria provided, single submitter. Criteria: CeGaT Center For Human Genetics Tuebingen Variant Classification Criteria Version 2. Collection method: clinical testing. Allele origin: germline. Affected: yes. Observed: 3 variant alleles.
Comment: SETD1A: BP4, BP7